The following is an entry in ClinVar:

NM_000512.5(GALNS):c.1259del (p.Pro420fs)

Gene: GALNS (galactosamine (N-acetyl)-6-sulfatase; minus strand). Cytogenetic location: 16q24.3.
Variant type: Deletion.
Coding change: c.1259del on transcript NM_000512.5 (MANE Select); coding-DNA position 1259, one base deleted (C; older notation c.1259delC).
Protein change: p.Pro420fs; shifts the reading frame from proline 420.
Molecular consequence: frameshift variant.
Genome position (GRCh38, 1-based): chr16:88,822,694, G deleted on the plus strand (C on the coding strand, the reverse complement: GALNS is on the minus strand); the first of 3 consecutive G bases (chr16:88,822,694-88,822,696); deleting any one gives the same sequence. VCF-style (leftmost placement, unchanged base first): chr16-88822693-AG-A. GRCh37 (hg19) VCF-style: chr16-88889101-AG-A.
Other names: c.704del, p.Pro235fs (NM_001323543.2); c.1277del, p.Pro426fs (NM_001323544.2); short protein forms P235fs, P420fs, P426fs.
Identifiers: ClinVar variation 1048356 (VCV001048356.3), dbSNP rs2142992407, ClinGen allele CA916079762.

ClinVar aggregate classification (germline): Pathogenic (1 of 4 stars; one submission).

Conditions:
Mucopolysaccharidosis, MPS-IV-A (MPS4A). Also called: Mucopolysaccharidosis type IV A; Mucopolysaccharidosis Type IVA; Morquio syndrome A, mild; MORQUIO SYNDROME A; MPS IVA; mucopolysaccharidosis type 4A. Identifiers: Orphanet 309297, Orphanet 582, MedGen C0086651, MONDO:0009659, OMIM 253000.

Submission:

Laboratory of Diagnosis and Therapy of Lysosomal Disorders, University of Padova
Classification: Pathogenic for Mucopolysaccharidosis, MPS-IV-A. Last evaluated: 2021-02-01. Review status: criteria provided, single submitter. Criteria: ACMG Guidelines, 2015. Collection method: curation. Allele origin: germline. Affected: yes.
Comment: Frameshift variant (PVS1_very strong); in vivo functional studies supportive of a damaging effect on the gene product (low to null enzymatic activity in homozygotes; PS3_supporting); absent from gnomAD v2.1.1 (PM2_moderate)

Literature cited by the submitters: PubMed 25252036; PubMed 34387910.